The following is an entry in ClinVar:

NM_003482.4(KMT2D):c.1390G>A (p.Ala464Thr)

Gene: KMT2D (lysine methyltransferase 2D; minus strand). Cytogenetic location: 12q13.12.
Variant type: single nucleotide variant.
Coding change: c.1390G>A on transcript NM_003482.4 (MANE Select); coding-DNA position 1390, G replaced by A.
Protein change: p.Ala464Thr; replaces alanine 464 with threonine.
Molecular consequence: missense variant.
Genome position (GRCh38, 1-based): chr12:49,052,293, C>T on the plus strand (G>A on the coding strand, the complement: KMT2D is on the minus strand). VCF-style: chr12-49052293-C-T. GRCh37 (hg19) VCF-style: chr12-49446076-C-T.
Other names: short protein forms A464T.
Identifiers: ClinVar variation 3048337 (VCV003048337.2), dbSNP rs2120684773, ClinGen allele CA384675053.

ClinVar aggregate classification (germline): Uncertain significance (0 of 4 stars; one submission).

Conditions:
KMT2D-related disorder. Also called: KMT2D-Related Disorders.

Submission:

PreventionGenetics, part of Exact Sciences
Classification: Uncertain significance for KMT2D-related condition. Last evaluated: 2023-11-03. Review status: no assertion criteria provided. Collection method: clinical testing. Allele origin: germline.
Comment: The KMT2D c.1390G>A variant is predicted to result in the amino acid substitution p.Ala464Thr. To our knowledge, this variant has not been reported in the literature or in a large population database, indicating this variant is rare. At this time, the clinical significance of this variant is uncertain due to the absence of conclusive functional and genetic evidence.